The following is an entry in ClinVar:

ClinVar aggregate classification (germline): Benign/Likely benign. Review status: criteria provided, multiple submitters, no conflicts (2 of 4 stars). 4 submissions from 4 submitters: Benign (1); Likely benign (3). Last evaluated 2025-03-19.

Conditions:
Familial thoracic aortic aneurysm and aortic dissection (TAAD). Also called: Thoracic aortic aneurysms and dissections. Identifiers: Orphanet 91387, MedGen C4707243, MONDO:0019625.
Hereditary cancer-predisposing syndrome. Also called: Tumor predisposition; Hereditary Cancer Syndrome; Neoplastic Syndromes, Hereditary; Hereditary neoplastic syndrome. Identifiers: Orphanet 140162, MedGen C0027672, MeSH D009386, MONDO:0015356.
Juvenile polyposis syndrome (JPS). Identifiers: Orphanet 2929, MedGen C0345893, MONDO:0017380, OMIM 174900.
Juvenile polyposis/hereditary hemorrhagic telangiectasia syndrome (JPHT). Also called: JP/HHT SYNDROME; JUVENILE POLYPOSIS WITH HEREDITARY HEMORRHAGIC TELANGIECTASIA; POLYPOSIS, GENERALIZED JUVENILE, WITH PULMONARY ARTERIOVENOUS MALFORMATION; TELANGIECTASIA, HEREDITARY HEMORRHAGIC, WITH JUVENILE POLYPOSIS COLI; Juvenile Polyposis Syndrome / Hereditary Hemorrhagic Telangiectasia (JPS/HHT). Identifiers: Orphanet 2929, MedGen C1832942, MONDO:0008278, OMIM 175050.

Submissions (4):

Myriad Genetics, Inc.
Classification: Benign for Juvenile polyposis/hereditary hemorrhagic telangiectasia syndrome. Last evaluated: 2025-03-19. Review status: criteria provided, single submitter. Criteria: Myriad Autosomal Dominant, Autosomal Recessive and X-Linked Classification Criteria (2023). Collection method: clinical testing. Allele origin: unknown.
Comment: This variant is considered benign. This variant is a silent/synonymous amino acid change and it is not expected to impact splicing.

Labcorp Genetics (formerly Invitae), Labcorp
Classification: Likely benign for Juvenile polyposis syndrome. Last evaluated: 2025-03-16. Review status: criteria provided, single submitter. Criteria: Invitae Variant Classification Sherloc (09022015). Collection method: clinical testing. Allele origin: germline.

Ambry Genetics
Classification: Likely benign for Hereditary cancer-predisposing syndrome; Familial thoracic aortic aneurysm and aortic dissection. Last evaluated: 2024-10-28. Review status: criteria provided, single submitter. Criteria: Ambry Variant Classification Scheme 2023. Collection method: clinical testing. Allele origin: germline.

GeneDx
Classification: Likely benign. Last evaluated: 2020-11-25. Review status: criteria provided, single submitter. Criteria: GeneDx Variant Classification Process June 2021. Collection method: clinical testing. Allele origin: germline. Affected: yes.
Comment: Not observed in large population cohorts (Lek et al., 2016)

NM_005359.6(SMAD4):c.606C>T (p.Ala202=)

Gene: SMAD4 (SMAD family member 4; plus strand). Cytogenetic location: 18q21.2.
Variant type: single nucleotide variant.
Coding change: c.606C>T on transcript NM_005359.6 (MANE Select); coding-DNA position 606, C replaced by T.
Protein change: p.Ala202=; no amino-acid change (alanine 202 retained).
Molecular consequence: synonymous variant.
Genome position (GRCh38, 1-based): chr18:51,054,932, C>T. VCF-style: chr18-51054932-C-T. GRCh37 (hg19) VCF-style: chr18-48581302-C-T.
Identifiers: ClinVar variation 1216178 (VCV001216178.13), dbSNP rs780665234, ClinGen allele CA503873758.
Genomic context (GRCh38, chr18:51,054,932, plus strand): 5'-CCAGCATCCACCAAGTAATCGTGCATCGACAGAGACATACAGCACCCCAGCTCTGTTAGC[C>T]CCATCTGAGTCTAATGCTACCAGCACTGCCAACTTTCCCAACATTCCTGTGGCTTCCACA-3'
Protein context (NP_005350.1, residues 192-212): TETYSTPALL[Ala202=]PSESNATSTA